The following is an entry in ClinVar:

ClinVar aggregate classification (germline): Conflicting classifications of pathogenicity. Review status: criteria provided, conflicting classifications (1 of 4 stars). 3 submissions from 3 submitters: Likely pathogenic (1); Uncertain significance (2). Last evaluated 2025-08-29.

Conditions:
Hereditary nonpolyposis colorectal neoplasms. Identifiers: MedGen C0009405, MeSH D003123.
Hereditary cancer-predisposing syndrome. Also called: Tumor predisposition; Hereditary neoplastic syndrome; Hereditary Cancer Syndrome; Neoplastic Syndromes, Hereditary. Identifiers: Orphanet 140162, MedGen C0027672, MeSH D009386, MONDO:0015356.

Submissions (3):

Color Diagnostics, LLC DBA Color Health
Classification: Uncertain significance for Hereditary cancer-predisposing syndrome. Last evaluated: 2025-08-29. Review status: criteria provided, single submitter. Criteria: ACMG Guidelines, 2015. Collection method: clinical testing. Allele origin: germline.
Comment: This missense variant replaces glycine with valine at codon 1134 of the MSH6 protein. Computational prediction suggests that this variant may have deleterious impact on protein structure and function. To our knowledge, functional studies have not been reported for this variant. This variant has not been reported in individuals affected with MSH6-related disorders in the literature. This variant has not been identified in the general population by the Genome Aggregation Database (gnomAD). The available evidence is insufficient to determine the role of this variant in disease conclusively. Therefore, this variant is classified as a Variant of Uncertain Significance.

Ambry Genetics
Classification: Uncertain significance for Hereditary cancer-predisposing syndrome. Last evaluated: 2024-01-31. Review status: criteria provided, single submitter. Criteria: Ambry Variant Classification Scheme 2023. Collection method: clinical testing. Allele origin: germline.
Comment: The p.G1134V variant (also known as c.3401G>T), located in coding exon 5 of the MSH6 gene, results from a G to T substitution at nucleotide position 3401. The glycine at codon 1134 is replaced by valine, an amino acid with dissimilar properties. This amino acid position is highly conserved in available vertebrate species. In addition, this alteration is predicted to be deleterious by in silico analysis. Based on the available evidence, the clinical significance of this alteration remains unclear.

Labcorp Genetics (formerly Invitae), Labcorp
Classification: Likely pathogenic for Hereditary nonpolyposis colorectal neoplasms. Last evaluated: 2022-03-03. Review status: criteria provided, single submitter. Criteria: Invitae Variant Classification Sherloc (09022015). Collection method: clinical testing. Allele origin: germline.
Comment: In summary, the currently available evidence indicates that the variant is pathogenic, but additional data are needed to prove that conclusively. Therefore, this variant has been classified as Likely Pathogenic. This variant disrupts the p.Gly1134 amino acid residue in MSH6. Other variant(s) that disrupt this residue have been determined to be pathogenic (Invitae). This suggests that this residue is clinically significant, and that variants that disrupt this residue are likely to be disease-causing. Advanced modeling of protein sequence and biophysical properties (such as structural, functional, and spatial information, amino acid conservation, physicochemical variation, residue mobility, and thermodynamic stability) performed at Invitae indicates that this missense variant is expected to disrupt MSH6 protein function. ClinVar contains an entry for this variant (Variation ID: 1171445). This variant has not been reported in the literature in individuals affected with MSH6-related conditions. This variant is not present in population databases (gnomAD no frequency). This sequence change replaces glycine, which is neutral and non-polar, with valine, which is neutral and non-polar, at codon 1134 of the MSH6 protein (p.Gly1134Val).

NM_000179.3(MSH6):c.3401G>T (p.Gly1134Val)

Gene: MSH6 (mutS homolog 6; plus strand). Cytogenetic location: 2p16.3.
Variant type: single nucleotide variant.
Coding change: c.3401G>T on transcript NM_000179.3 (MANE Select); coding-DNA position 3401, G replaced by T.
Protein change: p.Gly1134Val; replaces glycine 1134 with valine.
Molecular consequence: missense variant.
Genome position (GRCh38, 1-based): chr2:47,803,648, G>T. VCF-style: chr2-47803648-G-T. GRCh37 (hg19) VCF-style: chr2-48030787-G-T.
Other names: c.3011G>T, p.Gly1004Val (NM_001281492.2); c.2495G>T, p.Gly832Val (NM_001281493.2, NM_001281494.2); short protein forms G1004V, G1134V, G832V.
Identifiers: ClinVar variation 1171445 (VCV001171445.12), dbSNP rs1376398586, ClinGen allele CA346758875.